The following is an entry in ClinVar:

NM_001385079.1(PDE10A):c.1241G>A (p.Arg414His)

Gene: PDE10A (phosphodiesterase 10A; minus strand). Cytogenetic location: 6q27.
Variant type: single nucleotide variant.
Coding change: c.1241G>A on transcript NM_001385079.1 (MANE Select); coding-DNA position 1241, G replaced by A.
Protein change: p.Arg414His; replaces arginine 414 with histidine.
Molecular consequence: missense variant.
Genome position (GRCh38, 1-based): chr6:165,435,331, C>T on the plus strand (G>A on the coding strand, the complement: PDE10A is on the minus strand). VCF-style: chr6-165435331-C-T. GRCh37 (hg19) VCF-style: chr6-165848819-C-T.
Other names: c.443G>A, p.Arg148His (NM_001130690.3); c.413G>A, p.Arg138His (NM_006661.4); short protein forms R414H, R138H, R148H.
Identifiers: ClinVar variation 1426056 (VCV001426056.8), dbSNP rs1403420962, ClinGen allele CA366483124.
Genomic context (GRCh38, chr6:165,435,331, plus strand): 5'-GACTTGGCCACATAAGCAGAGACGGTGGTGCCCTGAGTGATGGGCCCAGCAGGGATGAGG[C>T]GGGGTTTTCCTTCCTTTATCCCAGGTGGCGTGAATATACACAGGCTCTAGGGAGAAGAAA-3'
Protein context (NP_001372008.1, residues 404-424): TPPGIKEGKP[Arg414His]LIPAGPITQG

ClinVar aggregate classification (germline): Uncertain significance (1 of 4 stars; one submission).

Allele frequency attached by ClinVar (database versions not stated): gnomAD exomes below 0.00001; gnomAD 0.00001.
gnomAD v4.1: 7 of 1,613,798 alleles (0.00043%); highest among the groups gnomAD compares: South Asian, 0.0022%; no homozygotes.

Submission:

Labcorp Genetics (formerly Invitae), Labcorp
Classification: Uncertain significance. Last evaluated: 2021-05-06. Review status: criteria provided, single submitter. Criteria: Invitae Variant Classification Sherloc (09022015). Collection method: clinical testing. Allele origin: germline.
Comment: In summary, the available evidence is currently insufficient to determine the role of this variant in disease. Therefore, it has been classified as a Variant of Uncertain Significance. Algorithms developed to predict the effect of missense changes on protein structure and function are either unavailable or do not agree on the potential impact of this missense change (SIFT: "Tolerated"; PolyPhen-2: "Possibly Damaging"; Align-GVGD: "Class C0"). This variant has not been reported in the literature in individuals with PDE10A-related conditions. This variant is not present in population databases (ExAC no frequency). This sequence change replaces arginine with histidine at codon 148 of the PDE10A protein (p.Arg148His). The arginine residue is moderately conserved and there is a small physicochemical difference between arginine and histidine.